The following is an entry in ClinVar:

NM_001709.5(BDNF):c.-22+783G>A

Gene: BDNF (brain derived neurotrophic factor; minus strand). Cytogenetic location: 11p14.1.
Variant type: single nucleotide variant.
Coding change: c.-22+783G>A on transcript NM_001709.5 (MANE Select); 783 bases into the intron after 22 bases upstream of the start codon, G replaced by A.
Molecular consequence: intron variant. On other transcripts: splice donor variant (1).
Genome position (GRCh38, 1-based): chr11:27,699,381, C>T on the plus strand (G>A on the coding strand, the complement: BDNF is on the minus strand). VCF-style: chr11-27699381-C-T. GRCh37 (hg19) VCF-style: chr11-27720928-C-T.
Other names: c.3+22031G>A (NM_170731.5); c.-22+21263G>A (NM_001143805.1); c.-22+21048G>A (NM_001143806.1); c.-22+20965G>A (NM_170732.4); c.-22+20130G>A (NM_001143807.2); c.-22+1916G>A (NM_170733.4); c.-22+1600G>A (NM_001143808.2); c.66+1590G>A (NM_001143809.2); and 6 more.
Identifiers: ClinVar variation 4984332 (VCV004984332.1).
Genomic context (GRCh38, chr11:27,699,381, plus strand): 5'-TGCCCGTCAGGCACAGAGCCCCCAATCCTCAGCTATTTCTTTCCAGGAGTAACTCACTCA[C>T]CCATTCCTCTTCCCGGCTCTGCATCCCCAGAGACTAACCCGAGTCAAGAATCCCCCACGT-3'

ClinVar aggregate classification (germline): Uncertain significance (1 of 4 stars; one submission).

Conditions:
BDNF-related disorder. Also called: BDNF-related condition.

gnomAD v4.1: 12 of 1,614,132 alleles (0.00074%); highest among the groups gnomAD compares: South Asian, 0.011%; no homozygotes.

Submission:

PreventionGenetics, part of Exact Sciences
Classification: Uncertain significance for BDNF-related condition. Last evaluated: 2024-10-24. Review status: criteria provided, single submitter. Criteria: ACMG Guidelines, 2015. Collection method: clinical testing. Allele origin: germline.
Comment: The BDNF c.24+1G>A variant is predicted to disrupt the GT donor site and interfere with normal splicing. This variant is predicted to alter the nearby canonical splice donor site signal (Alamut Visual Plus v1.6.1; SpliceAI, Jaganathan et al. 2019. PubMed ID: 30661751). However, the use of computer prediction programs is not equivalent to functional evidence.  In addition, this variant is not located in the coding region by other multiple transcripts. To our knowledge, this variant has not been reported in the literature. This variant is reported in 0.023% of alleles in individuals of South Asian descent in gnomAD. At this time, the clinical significance of this variant is uncertain due to the absence of conclusive functional and genetic evidence.